The following is an entry in ClinVar:

NM_003332.4(TYROBP):c.53C>G (p.Ala18Gly)

Gene: TYROBP (transmembrane immune signaling adaptor TYROBP; minus strand). Cytogenetic location: 19q13.12.
Variant type: single nucleotide variant.
Coding change: c.53C>G on transcript NM_003332.4 (MANE Select); coding-DNA position 53, C replaced by G.
Protein change: p.Ala18Gly; replaces alanine 18 with glycine.
Molecular consequence: missense variant. On other transcripts: non-coding transcript variant (1).
Genome position (GRCh38, 1-based): chr19:35,908,176, G>C on the plus strand (C>G on the coding strand, the complement: TYROBP is on the minus strand). VCF-style: chr19-35908176-G-C. GRCh37 (hg19) VCF-style: chr19-36399078-G-C.
Other names: c.53C>G, p.Ala18Gly (NM_001173514.2, NM_001173515.2, NM_198125.3); short protein forms A18G.
Identifiers: ClinVar variation 1380262 (VCV001380262.6), dbSNP rs771498196, ClinGen allele CA9393156.

ClinVar aggregate classification (germline): Uncertain significance (1 of 4 stars; one submission).

Allele frequency attached by ClinVar (database versions not stated): gnomAD exomes below 0.00001 and 0.00001; ExAC 0.00001; TOPMed 0.00002.

Submission:

Labcorp Genetics (formerly Invitae), Labcorp
Classification: Uncertain significance. Last evaluated: 2021-11-15. Review status: criteria provided, single submitter. Criteria: Invitae Variant Classification Sherloc (09022015). Collection method: clinical testing. Allele origin: germline.
Comment: In summary, the available evidence is currently insufficient to determine the role of this variant in disease. Therefore, it has been classified as a Variant of Uncertain Significance. Algorithms developed to predict the effect of missense changes on protein structure and function are either unavailable or do not agree on the potential impact of this missense change (SIFT: "Not Available"; PolyPhen-2: "Benign"; Align-GVGD: "Not Available"). This variant has not been reported in the literature in individuals affected with TYROBP-related conditions. This variant is present in population databases (rs771498196, gnomAD 0.006%). This sequence change replaces alanine, which is neutral and non-polar, with glycine, which is neutral and non-polar, at codon 18 of the TYROBP protein (p.Ala18Gly).